The following is an entry in ClinVar:

ClinVar aggregate classification (germline): Uncertain significance (1 of 4 stars; one submission).

Allele frequency attached by ClinVar (database versions not stated): TOPMed 0.00001 and 0.00002; gnomAD 0.00001.

Submission:

GeneDx
Classification: Uncertain significance. Last evaluated: 2016-01-04. Review status: criteria provided, single submitter. Criteria: GeneDx Variant Classification (06012015). Collection method: clinical testing. Allele origin: germline. Affected: yes.
Comment: This variant is denoted AXIN2 c.-135G>A, and describes a nucleotide substitution 135 base pairs upstream of the AXIN2 ATG translational start site in the 5' untranslated region (UTR). The surrounding sequence, with the base that is substituted in braces, is CGCC[G/A]AAGG. This variant has not, to our knowledge, been published in the literature as pathogenic or benign. AXIN2 c.-135C>A does not appear to affect the start codon or the Kozak translational consensus sequence. The guanine (G) nucleotide that is altered is conserved in mammals. At this time, we consider AXIN2 c.-135G>A to be a variant of uncertain significance.

NM_004655.4(AXIN2):c.-135G>A

Gene: AXIN2 (axin 2; minus strand). Cytogenetic location: 17q24.1.
Variant type: single nucleotide variant.
Coding change: c.-135G>A on transcript NM_004655.4 (MANE Select); 135 bases upstream of the start codon, G replaced by A.
Molecular consequence: 5 prime UTR variant.
Genome position (GRCh38, 1-based): chr17:65,561,468, C>T on the plus strand (G>A on the coding strand, the complement: AXIN2 is on the minus strand). VCF-style: chr17-65561468-C-T. GRCh37 (hg19) VCF-style: chr17-63557586-C-T.
Other names: c.-135G>A (LRG_296t1, NM_001363813.1).
Identifiers: ClinVar variation 234741 (VCV000234741.2), dbSNP rs876661192, ClinGen allele CA10577577.